The following is an entry in ClinVar:

NM_002152.3(HRC):c.351T>C (p.Gly117=)

Gene: HRC (histidine rich calcium binding protein; minus strand). Cytogenetic location: 19q13.33.
Variant type: single nucleotide variant.
Coding change: c.351T>C on transcript NM_002152.3 (MANE Select); coding-DNA position 351, T replaced by C.
Protein change: p.Gly117=; no amino-acid change (glycine 117 retained).
Molecular consequence: synonymous variant.
Genome position (GRCh38, 1-based): chr19:49,154,887, A>G on the plus strand (T>C on the coding strand, the complement: HRC is on the minus strand). VCF-style: chr19-49154887-A-G. GRCh37 (hg19) VCF-style: chr19-49658144-A-G.
Identifiers: ClinVar variation 2650236 (VCV002650236.24), dbSNP rs755278652, ClinGen allele CA508281669.
Genomic context (GRCh38, chr19:49,154,887, plus strand): 5'-GTGGCCTCTGTGCCCACGGGCCTGCCCACCATGCTCTGCAAAGACCTCCTCACCTGAGAC[A>G]CCCTCATCTCCGACTTTGTGGTCTTGGGACCTGTGGCCTGGGAGTAGGTGCCCATATTCC-3'
Protein context (NP_002143.1, residues 107-127): RSQDHKVGDE[Gly117=]VSGEEVFAEH

ClinVar aggregate classification (germline): Likely benign (1 of 4 stars; one submission).

Submission:

CeGaT Center for Human Genetics Tuebingen
Classification: Likely benign. Last evaluated: 2022-05-01. Review status: criteria provided, single submitter. Criteria: CeGaT Center For Human Genetics Tuebingen Variant Classification Criteria Version 2. Collection method: clinical testing. Allele origin: germline. Affected: yes. Observed: 1 variant allele.
Comment: HRC: PM2:Supporting, BP4, BP7